The following is an entry in ClinVar:

ClinVar aggregate classification (germline): Uncertain significance (1 of 4 stars; one submission).

Conditions:
Neurofibromatosis, type 1 (NF1). Also called: VON RECKLINGHAUSEN DISEASE; Peripheral type neurofibromatosis; NEUROFIBROMATOSIS, TYPE I, SOMATIC; Neurofibromatosis, type I. Identifiers: Orphanet 636, MedGen C0027831, MONDO:0018975, OMIM 162200. Disease mechanism: loss of function.

Submission:

Labcorp Genetics (formerly Invitae), Labcorp
Classification: Uncertain significance for Neurofibromatosis, type 1. Last evaluated: 2025-01-22. Review status: criteria provided, single submitter. Criteria: Invitae Variant Classification Sherloc (09022015). Collection method: clinical testing. Allele origin: germline.
Comment: This sequence change replaces valine, which is neutral and non-polar, with aspartic acid, which is acidic and polar, at codon 2086 of the NF1 protein (p.Val2086Asp). This variant is not present in population databases (gnomAD no frequency). This variant has not been reported in the literature in individuals affected with NF1-related conditions. Invitae Evidence Modeling of protein sequence and biophysical properties (such as structural, functional, and spatial information, amino acid conservation, physicochemical variation, residue mobility, and thermodynamic stability) indicates that this missense variant is expected to disrupt NF1 protein function with a positive predictive value of 95%. In summary, the available evidence is currently insufficient to determine the role of this variant in disease. Therefore, it has been classified as a Variant of Uncertain Significance.

NM_001042492.3(NF1):c.6320T>A (p.Val2107Asp)

Gene: NF1 (neurofibromin 1; plus strand). Cytogenetic location: 17q11.2.
Variant type: single nucleotide variant.
Coding change: c.6320T>A on transcript NM_001042492.3 (MANE Select); coding-DNA position 6320, T replaced by A.
Protein change: p.Val2107Asp; replaces valine 2107 with aspartic acid.
Molecular consequence: missense variant.
Genome position (GRCh38, 1-based): chr17:31,336,807, T>A. VCF-style: chr17-31336807-T-A. GRCh37 (hg19) VCF-style: chr17-29663825-T-A.
Other names: c.6257T>A, p.Val2086Asp (NM_000267.4); short protein forms V2107D, V2086D.
Identifiers: ClinVar variation 3634586 (VCV003634586.2).